The following is an entry in ClinVar:

ClinVar aggregate classification (germline): Conflicting classifications of pathogenicity. Review status: criteria provided, conflicting classifications (1 of 4 stars). 14 submissions from 11 submitters: Uncertain significance (11); Likely benign (2). 1 of the submissions does not count toward it. Last evaluated 2026-06-26.

Conditions:
Multiple endocrine neoplasia. Identifiers: Orphanet 276161, MedGen C0027662, MONDO:0017169.
Congenital anomaly of kidney and urinary tract. Also called: Congenital anomalies of kidney and urinary tract; Congenital anomalies of the kidney and urinary tract. Identifiers: Orphanet 93545, MedGen C1968949, MeSH C566906, MONDO:0019719.
Hereditary cancer-predisposing syndrome. Also called: Tumor predisposition; Hereditary neoplastic syndrome; Neoplastic Syndromes, Hereditary; Hereditary Cancer Syndrome. Identifiers: Orphanet 140162, MedGen C0027672, MeSH D009386, MONDO:0015356.
Multiple endocrine neoplasia, type 2 (MEN2). Identifiers: Orphanet 653, MedGen C4048306, MONDO:0019003. Disease mechanism: gain of function.
Hirschsprung disease, susceptibility to, 1 (HSCR1). Also called: RET-Related Hirschsprung Disease. Identifiers: Orphanet 388, MedGen C3888239, MONDO:0007723, OMIM 142623.
Multiple endocrine neoplasia type 2A. Also called: MULTIPLE ENDOCRINE NEOPLASIA, TYPE IIA; PTC SYNDROME; SIPPLE SYNDROME; MEN 2A; MEN-2A syndrome; Pheochromocytoma and amyloid producing medullary thyroid carcinoma. Identifiers: Orphanet 247698, Orphanet 653, MedGen C0025268, MeSH D018813, MONDO:0008234, OMIM 171400.
Pheochromocytoma. Also called: MAX-Related Hereditary Paraganglioma-Pheochromocytoma Syndrome. Identifiers: Orphanet 29072, MedGen C0031511, MONDO:0008233, OMIM 171300, HP:0002666.
Renal hypodysplasia/aplasia 1 (RHDA1). Also called: HEREDITARY RENAL APLASIA; RENAL APLASIA. Identifiers: Orphanet 411709, MedGen C1619700, MONDO:0024519, OMIM 191830.

Allele frequency attached by ClinVar (database versions not stated): ExAC 0.00001; gnomAD 0.00001; gnomAD exomes 0.00001 and 0.00003; TOPMed 0.00003.
gnomAD v4.1: 47 of 1,596,686 alleles (0.0029%); highest among the groups gnomAD compares: Non-Finnish European, 0.0035%; no homozygotes.

Submissions (14):

Ambry Genetics
Classification: Likely benign for Hereditary cancer-predisposing syndrome. Last evaluated: 2026-06-26. Review status: criteria provided, single submitter. Criteria: Ambry Variant Classification Scheme 2023. Collection method: clinical testing. Allele origin: germline.

Labcorp Genetics (formerly Invitae), Labcorp
Classification: Uncertain significance for Multiple endocrine neoplasia, type 2. Last evaluated: 2025-12-21. Review status: criteria provided, single submitter. Criteria: Invitae Variant Classification Sherloc (09022015). Collection method: clinical testing. Allele origin: germline.
Comment: This sequence change replaces arginine, which is basic and polar, with cysteine, which is neutral and slightly polar, at codon 112 of the RET protein (p.Arg112Cys). The frequency data for this variant in the population databases is considered unreliable, as metrics indicate poor data quality at this position in the gnomAD database. This variant has not been reported in the literature in individuals affected with RET-related conditions. ClinVar contains an entry for this variant (Variation ID: 216726). An algorithm developed to predict the effect of missense changes on protein structure and function (PolyPhen-2) suggests that this variant is likely to be disruptive. In summary, the available evidence is currently insufficient to determine the role of this variant in disease. Therefore, it has been classified as a Variant of Uncertain Significance.

Women's Health and Genetics/Laboratory Corporation of America, LabCorp
Classification: Uncertain significance. Last evaluated: 2025-09-29. Review status: criteria provided, single submitter. Criteria: LabCorp Variant Classification Summary - May 2015. Collection method: clinical testing. Allele origin: germline.
Comment: Variant summary: RET c.334C>T (p.Arg112Cys) results in a non-conservative amino acid change in the encoded protein sequence. Algorithms developed to predict the effect of missense changes on protein structure and function all suggest that this variant is likely to be disruptive. The variant allele was found at a frequency of 1.4e-05 in 213604 control chromosomes. The available data on variant occurrences in the general population are insufficient to allow any conclusion about variant significance. To our knowledge, no occurrence of c.334C>T in individuals affected with RET-related conditions and no experimental evidence demonstrating its impact on protein function have been reported. ClinVar contains an entry for this variant (Variation ID: 216726). Based on the evidence outlined above, the variant was classified as uncertain significance.

Color Diagnostics, LLC DBA Color Health
Classification: Likely benign for Multiple endocrine neoplasia, type 2. Last evaluated: 2025-07-10. Review status: criteria provided, single submitter. Criteria: ACMG Guidelines, 2015. Collection method: clinical testing. Allele origin: germline.

Quest Diagnostics Nichols Institute San Juan Capistrano
Classification: Uncertain significance. Last evaluated: 2024-03-25. Review status: criteria provided, single submitter. Criteria: Quest Diagnostics criteria. Collection method: clinical testing. Allele origin: unknown.

All of Us Research Program, National Institutes of Health
Classification: Uncertain significance for Multiple endocrine neoplasia, type 2. Last evaluated: 2024-03-05. Review status: criteria provided, single submitter. Criteria: ACMG Guidelines, 2015. Collection method: clinical testing. Allele origin: germline. Inheritance: Autosomal dominant inheritance. Observed: 5 variant alleles, 5 heterozygotes.
Comment: This missense variant replaces arginine with cysteine at codon 112 of the RET protein. Computational prediction suggests that this variant may not impact protein structure and function (internally defined REVEL score threshold <= 0.5, PMID: 27666373). To our knowledge, functional studies have not been reported for this variant. This variant has not been reported in individuals affected with RET-related disorders in the literature. This variant has been identified in 3/213604 chromosomes in the general population by the Genome Aggregation Database (gnomAD). The available evidence is insufficient to determine the role of this variant in disease conclusively. Therefore, this variant is classified as a Variant of Uncertain Significance.

This study involves interpretation of variants in research participants for the purpose of population health screening. Participant phenotype was not available at the time of variant classification. Additional details can be found in publication PMID: 35346344, PMCID: PMC8962531

Baylor Genetics
Classification: Uncertain significance for Hirschsprung disease, susceptibility to, 1. Last evaluated: 2023-05-22. Review status: criteria provided, single submitter. Criteria: ACMG Guidelines, 2015. Collection method: clinical testing. Allele origin: unknown.

Blueprint Genetics
Classification: Uncertain significance. Last evaluated: 2022-04-05. Review status: criteria provided, single submitter. Criteria: ACMG Guidelines, 2015. Collection method: clinical testing. Allele origin: germline.

Victorian Clinical Genetics Services, Murdoch Childrens Research Institute
Classification: Uncertain significance for Congenital anomaly of kidney and urinary tract. Last evaluated: 2020-05-21. Review status: criteria provided, single submitter. Criteria: ACMG Guidelines, 2015. Collection method: clinical testing. Allele origin: germline. Inheritance: Autosomal dominant inheritance. Affected: yes.
Comment: Based on the classification scheme VCGS_Germline_v1.1.1, this variant is classified as VOUS. Following criteria are met: 0103 - Both loss- and gain-of-function are known mechanisms of disease for this gene. (N) 0107 - This gene is known to be associated with autosomal dominant disease. (N) 0112 - Variants in this gene are known to have reduced penetrance (OMIM). (N) 0200 - Variant is predicted to result in a missense amino acid change from arginine to cysteine (exon 2). (N) 0251 - Variant is heterozygous. (N) 0302 - Variant is present in gnomAD <0.001 for a dominant condition (3 heterozygotes, 0 homozygote). (P) 0309 - An alternative amino acid change at the same position has been observed in gnomAD (6 heterozygotes, 0 homozygote). (N) 0502 - Missense variant with conflicting in-silico predictions and/or uninformative conservation (PolyPhen2, PROVEAN, MutationAssessor, FATHMM, UCSC). (N) 0600 - Variant is located in an annotated domain or motif (RET Cadherin like domain 1; PDB). (N) 0705 - No comparable variants have previous evidence for pathogenicity. (N) 0804 - Variant has previously been described as variant of uncertain significance in multiple independent cases (ClinVar). (N) 0905 - No segregation evidence has been identified for this variant. (N) 1007 - No published functional evidence has been identified for this variant. (N) Legend: (P) - Pathogenic, (N) - Neutral, (B) - Benign

Illumina Laboratory Services, Illumina
Classification: Uncertain significance for Renal hypodysplasia/aplasia 1. Last evaluated: 2018-01-12. Review status: criteria provided, single submitter. Criteria: ICSL Variant Classification Criteria 13 December 2019. Collection method: clinical testing. Allele origin: germline.

Illumina Laboratory Services, Illumina
Classification: Uncertain significance for Multiple endocrine neoplasia. Last evaluated: 2018-01-12. Review status: criteria provided, single submitter. Criteria: ICSL Variant Classification Criteria 13 December 2019. Collection method: clinical testing. Allele origin: germline.

Illumina Laboratory Services, Illumina
Classification: Uncertain significance for Pheochromocytoma. Last evaluated: 2018-01-12. Review status: criteria provided, single submitter. Criteria: ICSL Variant Classification Criteria 13 December 2019. Collection method: clinical testing. Allele origin: germline.

Illumina Laboratory Services, Illumina
Classification: Uncertain significance for Hirschsprung disease, susceptibility to, 1. Last evaluated: 2018-01-12. Review status: criteria provided, single submitter. Criteria: ICSL Variant Classification Criteria 13 December 2019. Collection method: clinical testing. Allele origin: germline.

Counsyl
Classification: Uncertain significance for Multiple endocrine neoplasia type 2A. Last evaluated: 2018-05-22. Review status: no assertion criteria provided. Collection method: clinical testing. Allele origin: unknown. Not counted in ClinVar's aggregate classification.

NM_020975.6(RET):c.334C>T (p.Arg112Cys)

Gene: RET (ret proto-oncogene; plus strand). Cytogenetic location: 10q11.21.
Variant type: single nucleotide variant.
Coding change: c.334C>T on transcript NM_020975.6 (MANE Select); coding-DNA position 334, C replaced by T.
Protein change: p.Arg112Cys; replaces arginine 112 with cysteine.
Molecular consequence: missense variant.
Genome position (GRCh38, 1-based): chr10:43,100,719, C>T. VCF-style: chr10-43100719-C-T. GRCh37 (hg19) VCF-style: chr10-43596167-C-T.
Other names: c.334C>T, p.Arg112Cys (NM_000323.2, NM_001406743.1, NM_001406744.1 and 34 more transcripts); short protein forms R112C.
Identifiers: ClinVar variation 216726 (VCV000216726.30), dbSNP rs762626209, ClinGen allele CA043169.
Genomic context (GRCh38, chr10:43,100,719, plus strand): 5'-ACCGGCCTCCTCTACCTTAACCGGAGCCTGGACCATAGCTCCTGGGAGAAGCTCAGTGTC[C>T]GCAGTAAGGGAGCCGCCCCAACACCCACCCCGTGCCCCACCCCACCCCTTCCTCAAGCCG-3'
Protein context (NP_066124.1, residues 102-122): DHSSWEKLSV[Arg112Cys]NRGFPLLTVY